The following is an entry in ClinVar:

NM_000127.3(EXT1):c.1537-1G>C

Gene: EXT1 (exostosin glycosyltransferase 1; minus strand). Cytogenetic location: 8q24.11.
Variant type: single nucleotide variant.
Coding change: c.1537-1G>C on transcript NM_000127.3 (MANE Select); the canonical splice acceptor site of the intron before coding-DNA position 1537, G replaced by C.
Molecular consequence: splice acceptor variant.
Genome position (GRCh38, 1-based): chr8:117,818,531, C>G on the plus strand (G>C on the coding strand, the complement: EXT1 is on the minus strand). VCF-style: chr8-117818531-C-G. GRCh37 (hg19) VCF-style: chr8-118830770-C-G.
Identifiers: ClinVar variation 1459675 (VCV001459675.6), dbSNP rs2129736985, ClinGen allele CA371883581.

ClinVar aggregate classification (germline): Pathogenic (1 of 4 stars; one submission).

Conditions:
Multiple congenital exostosis (EXT). Also called: Multiple osteochondromas; MULTIPLE CARTILAGINOUS EXOSTOSES; Hereditary multiple exostoses; Hereditary multiple exostosis; Hereditary multiple osteochondromas; Multiple exostoses. Identifiers: Orphanet 321, MedGen C0015306, MONDO:0005508, HP:0002762.

Submission:

Labcorp Genetics (formerly Invitae), Labcorp
Classification: Pathogenic for Multiple congenital exostosis. Last evaluated: 2024-01-18. Review status: criteria provided, single submitter. Criteria: Invitae Variant Classification Sherloc (09022015). Collection method: clinical testing. Allele origin: germline.
Comment: This sequence change affects an acceptor splice site in intron 6 of the EXT1 gene. It is expected to disrupt RNA splicing. Variants that disrupt the donor or acceptor splice site typically lead to a loss of protein function (PMID: 16199547), and loss-of-function variants in EXT1 are known to be pathogenic (PMID: 10679937, 11391482, 19810120). This variant is not present in population databases (gnomAD no frequency). Disruption of this splice site has been observed in individual(s) with multiple osteochondromas (PMID: 18165274). This variant is also known as c.1536-1G>C. ClinVar contains an entry for this variant (Variation ID: 1459675). Algorithms developed to predict the effect of sequence changes on RNA splicing suggest that this variant may disrupt the consensus splice site. For these reasons, this variant has been classified as Pathogenic.

Literature cited by the submitters: PubMed 16199547; PubMed 10679937; PubMed 11391482; PubMed 19810120; PubMed 18165274.